The following is an entry in ClinVar:

NM_000022.4(ADA):c.153_154insCCAT (p.Met52fs)

Genes: ADA (adenosine deaminase; minus strand), LOC107303343 (adenosine deaminase intronic regulatory elements; plus strand). Cytogenetic location: 20q13.12.
Variant type: Insertion.
Coding change: c.153_154insCCAT on transcript NM_000022.4 (MANE Select); coding-DNA positions 153 to 154, CCAT inserted.
Protein change: p.Met52fs; shifts the reading frame from methionine 52.
Molecular consequence: frameshift variant. On other transcripts: 5 prime UTR variant (1), non-coding transcript variant (1).
Genome position: GRCh38 VCF-style: chr20-44629111-T-TATGG. GRCh37 (hg19) VCF-style: chr20-43257752-T-TATGG.
Other names: c.-137_-136insCCAT (NM_001322050.2); c.153_154insCCAT, p.Met52fs (NM_001322051.2); short protein forms M52fs.
Identifiers: ClinVar variation 5015056 (VCV005015056.1).

ClinVar aggregate classification (germline): Pathogenic (1 of 4 stars; one submission).

Conditions:
Severe combined immunodeficiency, autosomal recessive, T cell-negative, B cell-negative, NK cell-negative, due to adenosine deaminase deficiency. Also called: ADA-SCID; SCID DUE TO ADA DEFICIENCY; SCID DUE TO ADA DEFICIENCY, EARLY-ONSET; ADA deficiency; Adenosine deaminase deficient severe combined immunodeficiency; Severe combined immunodeficiency due to ADA deficiency. Identifiers: Orphanet 277, MedGen C0392607, MONDO:0007064, OMIM 102700.

Submission:

Myriad Genetics, Inc.
Classification: Pathogenic for Severe combined immunodeficiency, autosomal recessive, T cell-negative, B cell-negative, NK cell-negative, due to adenosine deaminase deficiency. Last evaluated: 2025-10-05. Review status: criteria provided, single submitter. Criteria: Myriad Autosomal Dominant, Autosomal Recessive and X-Linked Classification Criteria (2023). Collection method: clinical testing. Allele origin: unknown.
Comment: NM_000022.2(ADA):c.153_154insCCAT(M52Pfs*16) is expected to be pathogenic in the context of adenosine deaminase deficiency. This variant is predicted to lead to an abnormal or absent protein product due to the creation of a premature termination codon in ADA, a gene where loss-of-function variants are known to be pathogenic. Please note: this variant was assessed in the context of healthy population screening.